The following is an entry in ClinVar:

NM_005076.5(CNTN2):c.1751A>G (p.Lys584Arg)

Gene: CNTN2 (contactin 2; plus strand). Cytogenetic location: 1q32.1.
Variant type: single nucleotide variant.
Coding change: c.1751A>G on transcript NM_005076.5 (MANE Select); coding-DNA position 1751, A replaced by G.
Protein change: p.Lys584Arg; replaces lysine 584 with arginine.
Molecular consequence: missense variant. On other transcripts: non-coding transcript variant (1).
Genome position (GRCh38, 1-based): chr1:205,065,844, A>G. VCF-style: chr1-205065844-A-G. GRCh37 (hg19) VCF-style: chr1-205034972-A-G.
Other names: c.1751A>G (NM_005076.3); c.1751A>G, p.Lys584Arg (NM_001346083.2); short protein forms K584R.
Identifiers: ClinVar variation 1378253 (VCV001378253.6), dbSNP rs371269837, ClinGen allele CA1351488.

ClinVar aggregate classification (germline): Uncertain significance. Review status: criteria provided, multiple submitters, no conflicts (2 of 4 stars). 2 submissions from 2 submitters: Uncertain significance (2). Last evaluated 2025-06-10.

Conditions:
Epilepsy, familial adult myoclonic, 5 (EPEO5). Also called: CORTICAL MYOCLONIC TREMOR WITH EPILEPSY, FAMILIAL, 5. Identifiers: Orphanet 86814, MedGen C3809374, MONDO:0014167, OMIM 615400.

Allele frequency attached by ClinVar (database versions not stated): ExAC 0.00001; gnomAD exomes 0.00001 and 0.00002; TOPMed 0.00002; gnomAD 0.00003; ESP Exome Variant Server 0.00008.
gnomAD v4.1: 22 of 1,613,858 alleles (0.0014%); highest among the groups gnomAD compares: African/African-American, 0.004%; no homozygotes.

Submissions (2):

Ambry Genetics
Classification: Uncertain significance. Last evaluated: 2025-06-10. Review status: criteria provided, single submitter. Criteria: Ambry Variant Classification Scheme 2023. Collection method: clinical testing. Allele origin: germline.

Labcorp Genetics (formerly Invitae), Labcorp
Classification: Uncertain significance for Epilepsy, familial adult myoclonic, 5. Last evaluated: 2024-10-23. Review status: criteria provided, single submitter. Criteria: Invitae Variant Classification Sherloc (09022015). Collection method: clinical testing. Allele origin: germline.
Comment: This sequence change replaces lysine, which is basic and polar, with arginine, which is basic and polar, at codon 584 of the CNTN2 protein (p.Lys584Arg). This variant is present in population databases (rs371269837, gnomAD 0.008%). This variant has not been reported in the literature in individuals affected with CNTN2-related conditions. ClinVar contains an entry for this variant (Variation ID: 1378253). Invitae Evidence Modeling of protein sequence and biophysical properties (such as structural, functional, and spatial information, amino acid conservation, physicochemical variation, residue mobility, and thermodynamic stability) indicates that this missense variant is not expected to disrupt CNTN2 protein function with a negative predictive value of 95%. In summary, the available evidence is currently insufficient to determine the role of this variant in disease. Therefore, it has been classified as a Variant of Uncertain Significance.